The following is an entry in ClinVar:

NM_006231.4(POLE):c.3795+15T>G

Gene: POLE (DNA polymerase epsilon, catalytic subunit; minus strand). Cytogenetic location: 12q24.33.
Variant type: single nucleotide variant.
Coding change: c.3795+15T>G on transcript NM_006231.4 (MANE Select); 15 bases into the intron after coding-DNA position 3795, T replaced by G.
Molecular consequence: intron variant.
Genome position (GRCh38, 1-based): chr12:132,649,662, A>C on the plus strand (T>G on the coding strand, the complement: POLE is on the minus strand). VCF-style: chr12-132649662-A-C. GRCh37 (hg19) VCF-style: chr12-133226248-A-C.
Identifiers: ClinVar variation 389460 (VCV000389460.8), dbSNP rs375745403, ClinGen allele CA6893108.

ClinVar aggregate classification (germline): Likely benign. Review status: criteria provided, multiple submitters, no conflicts (2 of 4 stars). 2 submissions from 2 submitters: Likely benign (2). Last evaluated 2026-01-14.

Allele frequency attached by ClinVar (database versions not stated): gnomAD exomes 0.00001 and 0.00004; ExAC 0.00006; gnomAD 0.00010 and 0.00011; TOPMed 0.00012; ESP Exome Variant Server 0.00023.
gnomAD v4.1: 37 of 1,613,256 alleles (0.0023%); highest among the groups gnomAD compares: African/African-American, 0.044%; no homozygotes.

Submissions (2):

Labcorp Genetics (formerly Invitae), Labcorp
Classification: Likely benign. Last evaluated: 2026-01-14. Review status: criteria provided, single submitter. Criteria: Invitae Variant Classification Sherloc (09022015). Collection method: clinical testing. Allele origin: germline.

GeneDx
Classification: Likely benign. Last evaluated: 2017-06-01. Review status: criteria provided, single submitter. Criteria: GeneDx Variant Classification (06012015). Collection method: clinical testing. Allele origin: germline. Affected: yes.
Comment: This variant is considered likely benign or benign based on one or more of the following criteria: it is a conservative change, it occurs at a poorly conserved position in the protein, it is predicted to be benign by multiple in silico algorithms, and/or has population frequency not consistent with disease.